The following is an entry in ClinVar:

NM_022788.5(P2RY12):c.164G>A (p.Ser55Asn)

Genes: P2RY12 (purinergic receptor P2Y12; minus strand), MED12L (mediator complex subunit 12L; plus strand). Cytogenetic location: 3q25.1.
Variant type: single nucleotide variant.
Coding change: c.164G>A on transcript NM_022788.5 (MANE Select); coding-DNA position 164, G replaced by A.
Protein change: p.Ser55Asn; replaces serine 55 with asparagine.
Molecular consequence: missense variant. On other transcripts: intron variant (2).
Genome position (GRCh38, 1-based): chr3:151,338,682, C>T on the plus strand (G>A on the coding strand, the complement: P2RY12 is on the minus strand). VCF-style: chr3-151338682-C-T. GRCh37 (hg19) VCF-style: chr3-151056470-C-T.
Other names: c.164G>A, p.Ser55Asn (NM_176876.3); c.2251-11377C>T (NM_001393769.1); c.2146-11377C>T (NM_053002.6); short protein forms S55N.
Identifiers: ClinVar variation 4753511 (VCV004753511.1).

ClinVar aggregate classification (germline): Uncertain significance (1 of 4 stars; one submission).

gnomAD v4.1: 4 of 1,613,712 alleles (0.00025%); highest among the groups gnomAD compares: Admixed American, 0.0033%; no homozygotes.

Submission:

Labcorp Genetics (formerly Invitae), Labcorp
Classification: Uncertain significance. Last evaluated: 2025-05-28. Review status: criteria provided, single submitter. Criteria: Invitae Variant Classification Sherloc (09022015). Collection method: clinical testing. Allele origin: germline.
Comment: This sequence change replaces serine, which is neutral and polar, with asparagine, which is neutral and polar, at codon 55 of the P2RY12 protein (p.Ser55Asn). This variant is present in population databases (no rsID available, gnomAD 0.006%). This variant has not been reported in the literature in individuals affected with P2RY12-related conditions. An algorithm developed to predict the effect of missense changes on protein structure and function outputs the following: PolyPhen-2: "Benign". The asparagine amino acid residue is found in multiple mammalian species, which suggests that this missense change does not adversely affect protein function. In summary, the available evidence is currently insufficient to determine the role of this variant in disease. Therefore, it has been classified as a Variant of Uncertain Significance.